The following is an entry in ClinVar:

NM_001330723.2(SNX27):c.938C>T (p.Thr313Met)

Gene: SNX27 (sorting nexin 27; plus strand). Cytogenetic location: 1q21.3.
Variant type: single nucleotide variant.
Coding change: c.938C>T on transcript NM_001330723.2 (MANE Select); coding-DNA position 938, C replaced by T.
Protein change: p.Thr313Met; replaces threonine 313 with methionine.
Molecular consequence: missense variant.
Genome position (GRCh38, 1-based): chr1:151,665,964, C>T. VCF-style: chr1-151665964-C-T. GRCh37 (hg19) VCF-style: chr1-151638440-C-T.
Other names: c.938C>T, p.Thr313Met (NM_030918.6); short protein forms T313M.
Identifiers: ClinVar variation 531718 (VCV000531718.7), dbSNP rs140922236, ClinGen allele CA1093548.

ClinVar aggregate classification (germline): Uncertain significance. Review status: criteria provided, multiple submitters, no conflicts (2 of 4 stars). 2 submissions from 2 submitters: Uncertain significance (2). Last evaluated 2023-02-15.

Conditions:
Severe myoclonic epilepsy in infancy (DRVT). Also called: SEVERE MYOCLONIC EPILEPSY OF INFANCY; DEVELOPMENTAL AND EPILEPTIC ENCEPHALOPATHY 6A; Severe Myoclonic Epilepsy in Infancy (SMEI); Dravet syndrome; Epileptic encephalopathy, early infantile, 6 (Dravet syndrome). Identifiers: Orphanet 33069, MedGen C0751122, MONDO:0100135, OMIM 607208.
Inborn genetic diseases. Identifiers: MedGen C0950123, MeSH D030342.

Allele frequency attached by ClinVar (database versions not stated): gnomAD 0.00007; gnomAD exomes 0.00007 and 0.00012; TOPMed 0.00010; ExAC 0.00012; ESP Exome Variant Server 0.00031.
gnomAD v4.1: 102 of 1,608,174 alleles (0.0063%); highest among the groups gnomAD compares: East Asian, 0.052%; no homozygotes.

Submissions (2):

Ambry Genetics
Classification: Uncertain significance for Inborn genetic diseases. Last evaluated: 2023-02-15. Review status: criteria provided, single submitter. Criteria: Ambry Variant Classification Scheme 2023. Collection method: clinical testing. Allele origin: germline.

Labcorp Genetics (formerly Invitae), Labcorp
Classification: Uncertain significance for Severe myoclonic epilepsy in infancy. Last evaluated: 2022-09-01. Review status: criteria provided, single submitter. Criteria: Invitae Variant Classification Sherloc (09022015). Collection method: clinical testing. Allele origin: germline.
Comment: This sequence change replaces threonine, which is neutral and polar, with methionine, which is neutral and non-polar, at codon 313 of the SNX27 protein (p.Thr313Met). This variant is present in population databases (rs140922236, gnomAD 0.2%). This variant has not been reported in the literature in individuals affected with SNX27-related conditions. ClinVar contains an entry for this variant (Variation ID: 531718). Algorithms developed to predict the effect of missense changes on protein structure and function output the following: SIFT: "Tolerated"; PolyPhen-2: "Benign"; Align-GVGD: "Class C0". The methionine amino acid residue is found in multiple mammalian species, which suggests that this missense change does not adversely affect protein function. In summary, the available evidence is currently insufficient to determine the role of this variant in disease. Therefore, it has been classified as a Variant of Uncertain Significance.